The following is an entry in ClinVar:

NM_031229.4(RBCK1):c.998C>T (p.Ser333Leu)

Gene: RBCK1 (RANBP2-type and C3HC4-type zinc finger containing 1; plus strand). Cytogenetic location: 20p13.
Variant type: single nucleotide variant.
Coding change: c.998C>T on transcript NM_031229.4 (MANE Select); coding-DNA position 998, C replaced by T.
Protein change: p.Ser333Leu; replaces serine 333 with leucine.
Molecular consequence: missense variant. On other transcripts: non-coding transcript variant (1).
Genome position (GRCh38, 1-based): chr20:422,207, C>T. VCF-style: chr20-422207-C-T. GRCh37 (hg19) VCF-style: chr20-402851-C-T.
Other names: c.488C>T, p.Ser163Leu (NM_001323956.2, NM_001323958.2); c.872C>T, p.Ser291Leu (NM_006462.6); short protein forms S163L, S291L, S333L.
Identifiers: ClinVar variation 655268 (VCV000655268.48), dbSNP rs143194967, ClinGen allele CA9723245.

ClinVar aggregate classification (germline): Conflicting classifications of pathogenicity. Review status: criteria provided, conflicting classifications (1 of 4 stars). 4 submissions from 4 submitters: Uncertain significance (2); Likely benign (1). 1 of the submissions does not count toward it. Last evaluated 2025-07-02.

Conditions:
Polyglucosan body myopathy type 1 (PGBM1). Also called: POLYGLUCOSAN BODY MYOPATHY WITHOUT IMMUNODEFICIENCY; Polyglucosan body myopathy 1 with or without immunodeficiency. Identifiers: Orphanet 329173, Orphanet 397937, MedGen C4014605, MONDO:0014389, OMIM 615895.
RBCK1-related disorder. Also called: RBCK1-related condition.

Allele frequency attached by ClinVar (database versions not stated): gnomAD exomes 0.00022 and 0.00039; 1000 Genomes Project 30x 0.00031; ESP Exome Variant Server 0.00031; gnomAD 0.00031 and 0.00033; TOPMed 0.00034; 1000 Genomes Project 0.00040; ExAC 0.00041.
gnomAD v4.1: 368 of 1,613,366 alleles (0.023%); highest among the groups gnomAD compares: East Asian, 0.082%; no homozygotes.

Submissions (4):

PreventionGenetics, part of Exact Sciences
Classification: Likely benign for RBCK1-related condition. Last evaluated: 2025-07-02. Review status: criteria provided, single submitter. Criteria: ACMG Guidelines, 2015. Collection method: clinical testing. Allele origin: germline.
Comment: This variant is classified as likely benign based on ACMG/AMP sequence variant interpretation guidelines (Richards et al. 2015 PMID: 25741868, with internal and published modifications).

Labcorp Genetics (formerly Invitae), Labcorp
Classification: Uncertain significance for Polyglucosan body myopathy type 1. Last evaluated: 2022-09-07. Review status: criteria provided, single submitter. Criteria: Invitae Variant Classification Sherloc (09022015). Collection method: clinical testing. Allele origin: germline.
Comment: This sequence change replaces serine, which is neutral and polar, with leucine, which is neutral and non-polar, at codon 333 of the RBCK1 protein (p.Ser333Leu). This variant is present in population databases (rs143194967, gnomAD 0.2%). This variant has not been reported in the literature in individuals affected with RBCK1-related conditions. ClinVar contains an entry for this variant (Variation ID: 655268). Algorithms developed to predict the effect of missense changes on protein structure and function are either unavailable or do not agree on the potential impact of this missense change (SIFT: "Not Available"; PolyPhen-2: "Benign"; Align-GVGD: "Not Available"). In summary, the available evidence is currently insufficient to determine the role of this variant in disease. Therefore, it has been classified as a Variant of Uncertain Significance.

CeGaT Center for Human Genetics Tuebingen
Classification: Uncertain significance. Last evaluated: 2018-05-01. Review status: criteria provided, single submitter. Criteria: CeGaT Center For Human Genetics Tuebingen Variant Classification Criteria Version 2. Collection method: clinical testing. Allele origin: germline. Affected: yes. Observed: 1 variant allele.

Biochemical Molecular Genetic Laboratory, King Abdulaziz Medical City
Classification: Uncertain significance for Polyglucosan body myopathy type 1. Last evaluated: 2020-02-05. Review status: no assertion criteria provided. Collection method: clinical testing. Allele origin: germline. Affected: yes. Not counted in ClinVar's aggregate classification.